The following is an entry in ClinVar:

NM_006231.4(POLE):c.5152A>G (p.Ser1718Gly)

Gene: POLE (DNA polymerase epsilon, catalytic subunit; minus strand). Cytogenetic location: 12q24.33.
Variant type: single nucleotide variant.
Coding change: c.5152A>G on transcript NM_006231.4 (MANE Select); coding-DNA position 5152, A replaced by G.
Protein change: p.Ser1718Gly; replaces serine 1718 with glycine.
Molecular consequence: missense variant.
Genome position (GRCh38, 1-based): chr12:132,642,198, T>C on the plus strand (A>G on the coding strand, the complement: POLE is on the minus strand). VCF-style: chr12-132642198-T-C. GRCh37 (hg19) VCF-style: chr12-133218784-T-C.
Other names: c.5152A>G (NM_006231.2); short protein forms S1718G.
Identifiers: ClinVar variation 540822 (VCV000540822.13), dbSNP rs374381852, ClinGen allele CA6892621.

ClinVar aggregate classification (germline): Conflicting classifications of pathogenicity. Review status: criteria provided, conflicting classifications (1 of 4 stars). 4 submissions from 4 submitters: Uncertain significance (3); Likely benign (1). Last evaluated 2026-01-30.

Conditions:
Colorectal cancer, susceptibility to, 12 (CRCS12). Also called: COLORECTAL CANCER, SUSCEPTIBILITY TO, ON CHROMOSOME 12q24. Identifiers: Orphanet 220460, MedGen C3554460, MONDO:0014038, OMIM 615083.
Hereditary cancer-predisposing syndrome. Also called: Neoplastic Syndromes, Hereditary; Hereditary Cancer Syndrome; Hereditary neoplastic syndrome; Tumor predisposition. Identifiers: Orphanet 140162, MedGen C0027672, MeSH D009386, MONDO:0015356.

Allele frequency attached by ClinVar (database versions not stated): gnomAD 0.00001; ESP Exome Variant Server 0.00008; gnomAD exomes below 0.00001 and 0.00001; TOPMed 0.00001; ExAC 0.00001.
gnomAD v4.1: 10 of 1,590,644 alleles (0.00063%); highest among the groups gnomAD compares: Non-Finnish European, 0.00077%; no homozygotes.

Submissions (4):

Labcorp Genetics (formerly Invitae), Labcorp
Classification: Uncertain significance. Last evaluated: 2026-01-30. Review status: criteria provided, single submitter. Criteria: Invitae Variant Classification Sherloc (09022015). Collection method: clinical testing. Allele origin: germline.
Comment: This sequence change replaces serine, which is neutral and polar, with glycine, which is neutral and non-polar, at codon 1718 of the POLE protein (p.Ser1718Gly). This variant is present in population databases (rs374381852, gnomAD 0.001%). This variant has not been reported in the literature in individuals affected with POLE-related conditions. ClinVar contains an entry for this variant (Variation ID: 540822). Invitae Evidence Modeling of protein sequence and biophysical properties (such as structural, functional, and spatial information, amino acid conservation, physicochemical variation, residue mobility, and thermodynamic stability) indicates that this missense variant is not expected to disrupt POLE protein function with a negative predictive value of 80%. In summary, the available evidence is currently insufficient to determine the role of this variant in disease. Therefore, it has been classified as a Variant of Uncertain Significance.

GeneDx
Classification: Uncertain significance. Last evaluated: 2025-04-09. Review status: criteria provided, single submitter. Criteria: GeneDx Variant Classification Process June 2021. Collection method: clinical testing. Allele origin: germline.
Comment: Not observed at significant frequency in large population cohorts (gnomAD); In silico analysis indicates that this missense variant does not alter protein structure/function; Has not been previously published as pathogenic or benign to our knowledge

Ambry Genetics
Classification: Likely benign for Hereditary cancer-predisposing syndrome. Last evaluated: 2025-01-07. Review status: criteria provided, single submitter. Criteria: Ambry Variant Classification Scheme 2023. Collection method: clinical testing. Allele origin: germline.

St. Jude Molecular Pathology, St. Jude Children's Research Hospital
Classification: Uncertain significance for Colorectal cancer, susceptibility to, 12. Last evaluated: 2023-09-20. Review status: criteria provided, single submitter. Criteria: St. Jude Assertion Criteria 2020. Collection method: clinical testing. Allele origin: germline.
Comment: The POLE c.5152A>G (p.Ser1718Gly) missense change has a maximum subpopulation frequency of 0.00094% in gnomAD v2.1.1. The in silico tool REVEL predicts a benign effect on protein function, but to our knowledge this prediction has not been confirmed by functional studies. This variant has been reported in 2 of 6385 invasive epithelial ovarian cancer cases and 1 of 6115 controls (PMID: 32546565). To our knowledge, this variant has not been reported in the literature in individuals with POLE-related disease. In summary, the evidence currently available is insufficient to determine the clinical significance of this variant. It has therefore been classified as of uncertain significance.